The following is an entry in ClinVar:

ClinVar aggregate classification (germline): Uncertain significance (1 of 4 stars; one submission).

gnomAD v4.1: 1 of 1,613,844 alleles (0.000062%); highest among the groups gnomAD compares: Non-Finnish European, 0.000085%; no homozygotes.

Submission:

GeneDx
Classification: Uncertain significance. Last evaluated: 2025-02-03. Review status: criteria provided, single submitter. Criteria: GeneDx Variant Classification Process June 2021. Collection method: clinical testing. Allele origin: germline. Affected: yes.
Comment: Not observed at significant frequency in large population cohorts (gnomAD); In silico analysis indicates that this missense variant does not alter protein structure/function; Has not been previously published as pathogenic or benign to our knowledge

NM_001378454.1(ALMS1):c.8938A>G (p.Met2980Val)

Gene: ALMS1 (ALMS1 centrosome and basal body associated protein; plus strand). Cytogenetic location: 2p13.1.
Variant type: single nucleotide variant.
Coding change: c.8938A>G on transcript NM_001378454.1 (MANE Select); coding-DNA position 8938, A replaced by G.
Protein change: p.Met2980Val; replaces methionine 2980 with valine.
Molecular consequence: missense variant.
Genome position (GRCh38, 1-based): chr2:73,490,897, A>G. VCF-style: chr2-73490897-A-G. GRCh37 (hg19) VCF-style: chr2-73718024-A-G.
Other names: c.8941A>G, p.Met2981Val (NM_015120.4); short protein forms M2980V, M2981V.
Identifiers: ClinVar variation 4072694 (VCV004072694.1).